The following is an entry in ClinVar:

ClinVar aggregate classification (germline): Conflicting classifications of pathogenicity. Review status: criteria provided, conflicting classifications (1 of 4 stars). 8 submissions from 8 submitters: Likely pathogenic (3); Uncertain significance (5). Last evaluated 2026-06-23.

Conditions:
FGFR3-related chondrodysplasia. Identifiers: Orphanet 93420, MedGen C5681604, MONDO:0019685.
FGFR3-related disorder. Also called: FGFR3-related disorders.
Hypochondroplasia (HCH). Identifiers: Orphanet 429, MedGen C0410529, MONDO:0007793, OMIM 146000. Disease mechanism: gain of function.

gnomAD v4.1: 1 of 1,612,626 alleles (0.000062%); highest among the groups gnomAD compares: Non-Finnish European, 0.000085%; no homozygotes.

Submissions (8):

Genomenon, Inc
Classification: Likely pathogenic for FGFR3-related chondrodysplasia. Last evaluated: 2026-06-23. Review status: criteria provided, single submitter. Criteria: Genomenon Sequence Variant Interpretation Standards - Updated. Collection method: curation. Allele origin: germline. Affected: yes.
Comment: FGFR3 p.Val555Leu (c.1663G>T) is a missense variant that changes the amino acid at codon 555 from Valine to Leucine. This variant has been observed in at least one proband with hypochondroplasia (PMID:39412159). A de novo occurrence of this variant has been observed in at least one affected individual (PMID:39412159). It is absent or not present at a significant frequency in gnomAD. In silico models predict that this variant is possibly or probably damaging. In conclusion, we classify FGFR3 p.Val555Leu (c.1663G>T) as a likely pathogenic variant.

Dasa
Classification: Uncertain significance. Last evaluated: 2026-02-27. Review status: criteria provided, single submitter. Criteria: DASA Assertion Criteria. Collection method: clinical testing. Allele origin: germline.
Comment: NM_000142.5(FGFR3):c.1663G>T (p.Val555Leu) is a missense variant that results in the substitution of valine with leucine. This variant is rare in population databases. Computational prediction algorithms are consistent with a deleterious effect. The currently available literature and clinical evidence are not sufficient to establish a definitive association between this variant and the reported condition. Therefore, this variant is classified as a variant of uncertain significance.

3billion
Classification: Uncertain significance for FGFR3-related disorder. Last evaluated: 2025-06-04. Review status: criteria provided, single submitter. Criteria: ACMG Guidelines, 2015. Collection method: clinical testing. Allele origin: germline. Affected: yes.
Comment: The variant is observed at an extremely low frequency in the gnomAD v4.1.0 dataset (total allele frequency: <0.001%). Predicted Consequence/Location: Missense variant. Missense changes are a common disease-causing mechanism. In silico tool predictions suggest damaging effect of the variant on gene or gene product [REVEL: 0.77 (>=0.6, sensitivity 0.68 and specificity 0.92); 3Cnet: 0.99 (> 0.75, sensitivity 0.96 and precision 0.92)]. The same nucleotide change resulting in the same amino acid change has been previously reported to be associated with FGFR3-related disorder (ClinVar ID: VCV001684537 /PMID: 33726816). A different missense change at the same codon (p.Val555Met) has been reported to be associated with FGFR3-related disorder (PMID: 23573386). However the evidence of pathogenicity is insufficient at this time. Therefore, this variant is classified as VUS according to the recommendation of ACMG/AMP guideline.

Department of Human Genetics, University Hospital Bern, Inselspital
Classification: Likely pathogenic for Hypochondroplasia. Last evaluated: 2025-02-24. Review status: criteria provided, single submitter. Criteria: ACMG Guidelines, 2015. Collection method: clinical testing. Allele origin: unknown. Inheritance: Autosomal dominant inheritance. Affected: yes. Observed: 1 heterozygote.

Labcorp Genetics (formerly Invitae), Labcorp
Classification: Uncertain significance. Last evaluated: 2024-09-29. Review status: criteria provided, single submitter. Criteria: Invitae Variant Classification Sherloc (09022015). Collection method: clinical testing. Allele origin: germline.
Comment: This sequence change replaces valine, which is neutral and non-polar, with leucine, which is neutral and non-polar, at codon 555 of the FGFR3 protein (p.Val555Leu). This variant is not present in population databases (gnomAD no frequency). This variant has not been reported in the literature in individuals affected with FGFR3-related conditions. ClinVar contains an entry for this variant (Variation ID: 1684537). Invitae Evidence Modeling of protein sequence and biophysical properties (such as structural, functional, and spatial information, amino acid conservation, physicochemical variation, residue mobility, and thermodynamic stability) has been performed for this missense variant. However, the output from this modeling did not meet the statistical confidence thresholds required to predict the impact of this variant on FGFR3 protein function. In summary, the available evidence is currently insufficient to determine the role of this variant in disease. Therefore, it has been classified as a Variant of Uncertain Significance.

Institute of Human Genetics, University of Goettingen
Classification: Likely pathogenic for Hypochondroplasia. Last evaluated: 2022-05-20. Review status: criteria provided, single submitter. Criteria: ACMG Guidelines, 2015. Collection method: clinical testing. Allele origin: unknown. Inheritance: Autosomal dominant inheritance. Observed: 1 heterozygote.
Comment: Comparison with the gnomAD browser did not provide any evidence that this sequence change is a norm variant that can also be detected in non-affected individuals. The mutation is currently not listed in ClinVar or in the HGMD database; the mutation is located in a protein domain of FGFR3 and affects a highly conserved amino acid; the mutation is independently classified as deleterious by four prediction programs; a probable pathogenic mutation has already been described at the above amino acid position in affected individuals with thanatophoric dysplasia (c.1663 G>A, p.(Val555Met) HGMD: CM133496, ClinVar: Variation ID: 988310, dbSNP: rs1474187970 (Marquis-Nicholson R. et al (2013) Sultan Qaboos Univ Med J. 13(1): 80-7) [PM5]; the following ACMG criteria were used for classification: PS1, PM1, PM2, PM5, PP2, PP3.

GeneDx
Classification: Uncertain significance. Last evaluated: 2022-02-04. Review status: criteria provided, single submitter. Criteria: GeneDx Variant Classification Process June 2021. Collection method: clinical testing. Allele origin: germline. Affected: yes.
Comment: Not observed at significant frequency in large population cohorts (gnomAD); In silico analysis supports that this missense variant has a deleterious effect on protein structure/function; Has not been previously published as pathogenic or benign to our knowledge

Blueprint Genetics
Classification: Uncertain significance. Last evaluated: 2021-10-20. Review status: criteria provided, single submitter. Criteria: ACMG Guidelines, 2015. Collection method: clinical testing. Allele origin: germline.

Literature cited by the submitters: PubMed 41361008 (cited by Genomenon, Inc); PubMed 39082679 (cited by Genomenon, Inc); PubMed 37377403 (cited by Genomenon, Inc); PubMed 39412159 (cited by Genomenon, Inc); PubMed 39690380 (cited by Genomenon, Inc); PubMed 39543657 (cited by Genomenon, Inc); PubMed 39138146 (cited by Genomenon, Inc); PubMed 38909834 (cited by Genomenon, Inc); PubMed 33726816 (cited by 3billion); PubMed 23573386 (cited by 3billion).

NM_000142.5(FGFR3):c.1663G>T (p.Val555Leu)

Gene: FGFR3 (fibroblast growth factor receptor 3; plus strand). Cytogenetic location: 4p16.3.
Variant type: single nucleotide variant.
Coding change: c.1663G>T on transcript NM_000142.5 (MANE Select); coding-DNA position 1663, G replaced by T.
Protein change: p.Val555Leu; replaces valine 555 with leucine.
Molecular consequence: missense variant. On other transcripts: non-coding transcript variant (1).
Genome position (GRCh38, 1-based): chr4:1,805,767, G>T. VCF-style: chr4-1805767-G-T. GRCh37 (hg19) VCF-style: chr4-1807494-G-T.
Other names: c.1669G>T, p.Val557Leu (NM_001163213.2); c.1666G>T, p.Val556Leu (NM_001354809.2, NM_001354810.2); c.1327G>T, p.Val443Leu (NM_022965.4); c.1663G>T (NM_000142.4); short protein forms V443L, V555L, V556L, V557L.
Identifiers: ClinVar variation 1684537 (VCV001684537.15), dbSNP rs1474187970, ClinGen allele CA355981676.